The following is an entry in ClinVar:

NM_000218.3(KCNQ1):c.477+2T>C

Gene: KCNQ1 (potassium voltage-gated channel subfamily Q member 1; plus strand). Cytogenetic location: 11p15.5.
Variant type: single nucleotide variant.
Coding change: c.477+2T>C on transcript NM_000218.3 (MANE Select); the canonical splice donor site of the intron after coding-DNA position 477, T replaced by C.
Molecular consequence: splice donor variant.
Genome position (GRCh38, 1-based): chr11:2,528,020, T>C. VCF-style: chr11-2528020-T-C. GRCh37 (hg19) VCF-style: chr11-2549250-T-C.
Other names: c.207+2T>C (NM_001406837.1); c.477+2T>C (NM_001406836.1, NM_001406838.1); c.96+2T>C (NM_181798.2).
Identifiers: ClinVar variation 1350731 (VCV001350731.8), dbSNP rs2133650175, ClinGen allele CA379122271.

ClinVar aggregate classification (germline): Pathogenic (1 of 4 stars; one submission).

Conditions:
Long QT syndrome (LQTS). Identifiers: MedGen C0023976, MeSH D008133, MONDO:0002442. Disease mechanism: loss of function. Inheritance: Various modes of inheritance.

Submissions (2):

Labcorp Genetics (formerly Invitae), Labcorp
Classification: Pathogenic for Long QT syndrome. Last evaluated: 2022-07-11. Review status: criteria provided, single submitter. Criteria: Invitae Variant Classification Sherloc (09022015). Collection method: clinical testing. Allele origin: germline.
Comment: This sequence change affects a donor splice site in intron 2 of the KCNQ1 gene. It is expected to disrupt RNA splicing. Variants that disrupt the donor or acceptor splice site typically lead to a loss of protein function (PMID: 16199547), and loss-of-function variants in KCNQ1 are known to be pathogenic (PMID: 9323054, 19862833). This variant is not present in population databases (gnomAD no frequency). For these reasons, this variant has been classified as Pathogenic. Algorithms developed to predict the effect of sequence changes on RNA splicing suggest that this variant may disrupt the consensus splice site. ClinVar contains an entry for this variant (Variation ID: 1350731). Disruption of this splice site has been observed in individual(s) with autosomal dominant long QT syndrome and/or autosomal recessive Jervell and Lange-Nielsen syndrome (PMID: 16987820, 19716085, 22629021, 24552659, 29037160). In at least one individual the data is consistent with being in trans (on the opposite chromosome) from a pathogenic variant.

Dr. Peter K. Rogan Lab, Western University
No classification provided (evidence only). Condition: Familial prostate cancer. Review status: no classification provided. Collection method: in vitro. Allele origin: not applicable. Functional consequence: skipped exon. Not counted in ClinVar's aggregate classification.

Literature cited by the submitters: PubMed 16199547 (cited by Labcorp Genetics (formerly Invitae), Labcorp); PubMed 9323054 (cited by Labcorp Genetics (formerly Invitae), Labcorp); PubMed 19862833 (cited by Labcorp Genetics (formerly Invitae), Labcorp); PubMed 16987820 (cited by Labcorp Genetics (formerly Invitae), Labcorp); PubMed 19716085 (cited by Labcorp Genetics (formerly Invitae), Labcorp); PubMed 22629021 (cited by Labcorp Genetics (formerly Invitae), Labcorp); PubMed 24552659 (cited by Labcorp Genetics (formerly Invitae), Labcorp); PubMed 29037160 (cited by Labcorp Genetics (formerly Invitae), Labcorp).